The following is an entry in ClinVar:

NM_005902.4(SMAD3):c.544C>T (p.Pro182Ser)

Gene: SMAD3 (SMAD family member 3; plus strand). Cytogenetic location: 15q22.33.
Variant type: single nucleotide variant.
Coding change: c.544C>T on transcript NM_005902.4 (MANE Select); coding-DNA position 544, C replaced by T.
Protein change: p.Pro182Ser; replaces proline 182 with serine.
Molecular consequence: missense variant. On other transcripts: 5 prime UTR variant (2).
Genome position (GRCh38, 1-based): chr15:67,166,790, C>T. VCF-style: chr15-67166790-C-T. GRCh37 (hg19) VCF-style: chr15-67459128-C-T.
Other names: c.229C>T, p.Pro77Ser (NM_001145102.2, NM_001407016.1); c.412C>T, p.Pro138Ser (NM_001145103.2, NM_001407012.1); c.-42C>T (NM_001145104.2, NM_001407017.1); c.544C>T, p.Pro182Ser (NM_001407011.1, NM_001407013.1); c.397C>T, p.Pro133Ser (NM_001407014.1); c.97C>T, p.Pro33Ser (NM_001407015.1); short protein forms P133S, P138S, P182S, P33S, P77S.
Identifiers: ClinVar variation 2998584 (VCV002998584.5), dbSNP rs1962602307, ClinGen allele CA392954621.

ClinVar aggregate classification (germline): Uncertain significance. Review status: criteria provided, multiple submitters, no conflicts (2 of 4 stars). 2 submissions from 2 submitters: Uncertain significance (2). Last evaluated 2024-06-11.

Conditions:
Familial thoracic aortic aneurysm and aortic dissection (TAAD). Also called: Thoracic aortic aneurysms and dissections. Identifiers: Orphanet 91387, MedGen C4707243, MONDO:0019625.
Aneurysm-osteoarthritis syndrome. Also called: SMAD3-Related Loeys-Dietz Syndrome; ANEURYSMS-OSTEOARTHRITIS SYNDROME; LOEYS-DIETZ SYNDROME WITH OSTEOARTHRITIS; Loeys-Dietz syndrome, type 1C. Identifiers: Orphanet 284984, MedGen C3151087, MONDO:0013426, OMIM 613795.

gnomAD v4.1: 1 of 1,593,862 alleles (0.000063%); highest among the groups gnomAD compares: South Asian, 0.0011%; no homozygotes.

Submissions (2):

All of Us Research Program, National Institutes of Health
Classification: Uncertain significance for Aneurysm-osteoarthritis syndrome. Last evaluated: 2024-06-11. Review status: criteria provided, single submitter. Criteria: ACMG Guidelines, 2015. Collection method: clinical testing. Allele origin: germline. Inheritance: Autosomal dominant inheritance. Observed: 2 variant alleles, 2 heterozygotes.
Comment: This study involves interpretation of variants in research participants for the purpose of population health screening. Participant phenotype was not available at the time of variant classification. Additional details can be found in publication PMID: 35346344, PMCID: PMC8962531

Labcorp Genetics (formerly Invitae), Labcorp
Classification: Uncertain significance for Familial thoracic aortic aneurysm and aortic dissection. Last evaluated: 2023-04-11. Review status: criteria provided, single submitter. Criteria: Invitae Variant Classification Sherloc (09022015). Collection method: clinical testing. Allele origin: germline.
Comment: In summary, the available evidence is currently insufficient to determine the role of this variant in disease. Therefore, it has been classified as a Variant of Uncertain Significance. Advanced modeling of protein sequence and biophysical properties (such as structural, functional, and spatial information, amino acid conservation, physicochemical variation, residue mobility, and thermodynamic stability) performed at Invitae indicates that this missense variant is not expected to disrupt SMAD3 protein function. This variant has not been reported in the literature in individuals affected with SMAD3-related conditions. This variant is not present in population databases (gnomAD no frequency). This sequence change replaces proline, which is neutral and non-polar, with serine, which is neutral and polar, at codon 182 of the SMAD3 protein (p.Pro182Ser).